The following is an entry in ClinVar:

ClinVar aggregate classification (germline): Pathogenic (1 of 4 stars; one submission).

Conditions:
Facioscapulohumeral muscular dystrophy 2 (FSHD2). Also called: MUSCULAR DYSTROPHY, FACIOSCAPULOHUMERAL, TYPE 1B; FACIOSCAPULOHUMERAL MUSCULAR DYSTROPHY 2, DIGENIC; FSHD2, DIGENIC. Identifiers: Orphanet 269, MedGen C1834671, MONDO:0008031, OMIM 158901.

Submission:

Labcorp Genetics (formerly Invitae), Labcorp
Classification: Pathogenic for Facioscapulohumeral muscular dystrophy 2. Last evaluated: 2024-05-06. Review status: criteria provided, single submitter. Criteria: Invitae Variant Classification Sherloc (09022015). Collection method: clinical testing. Allele origin: germline.
Comment: This sequence change creates a premature translational stop signal (p.Lys414*) in the SMCHD1 gene. It is expected to result in an absent or disrupted protein product. Loss-of-function variants in SMCHD1 are known to be pathogenic (PMID: 23143600). This variant is not present in population databases (gnomAD no frequency). This variant has not been reported in the literature in individuals affected with SMCHD1-related conditions. For these reasons, this variant has been classified as Pathogenic.

Literature cited by the submitters: PubMed 23143600.

NM_015295.3(SMCHD1):c.1240A>T (p.Lys414Ter)

Gene: SMCHD1 (structural maintenance of chromosomes flexible hinge domain containing 1; plus strand). Cytogenetic location: 18p11.32.
Variant type: single nucleotide variant.
Coding change: c.1240A>T on transcript NM_015295.3 (MANE Select); coding-DNA position 1240, A replaced by T.
Protein change: p.Lys414Ter; replaces lysine 414 with a stop codon.
Molecular consequence: nonsense.
Genome position (GRCh38, 1-based): chr18:2,697,939, A>T. VCF-style: chr18-2697939-A-T. GRCh37 (hg19) VCF-style: chr18-2697937-A-T.
Other names: short protein forms K414*.
Identifiers: ClinVar variation 3649260 (VCV003649260.2).